The following is an entry in ClinVar:

NC_000006.11:g.(?_65655686)_(65655807_?)del

Gene: EYS (eyes shut homolog; minus strand). Cytogenetic location: 6q12.
Variant type: Deletion.
Identifiers: ClinVar variation 1072821 (VCV001072821.1).

ClinVar aggregate classification (germline): Pathogenic (1 of 4 stars; one submission).

Submission:

Labcorp Genetics (formerly Invitae), Labcorp
Classification: Pathogenic. Last evaluated: 2020-03-10. Review status: criteria provided, single submitter. Criteria: Invitae Variant Classification Sherloc (09022015). Collection method: clinical testing. Allele origin: germline.
Comment: This variant is an out-of-frame deletion of the genomic region encompassing exon 15 of the EYS gene. This is expected to create a premature translational stop signal and result in an absent or disrupted protein product. This variant has not been reported in the literature in individuals with EYS-related conditions. Loss-of-function variants in EYS are known to be pathogenic (PMID: 18836446, 20333770). For these reasons, this variant has been classified as Pathogenic.

Literature cited by the submitters: PubMed 18836446; PubMed 20333770.